The following is an entry in ClinVar:

NM_002334.4(LRP4):c.926G>A (p.Ser309Asn)

Gene: LRP4 (LDL receptor related protein 4; minus strand). Cytogenetic location: 11p11.2.
Variant type: single nucleotide variant.
Coding change: c.926G>A on transcript NM_002334.4 (MANE Select); coding-DNA position 926, G replaced by A.
Protein change: p.Ser309Asn; replaces serine 309 with asparagine.
Molecular consequence: missense variant.
Genome position (GRCh38, 1-based): chr11:46,896,332, C>T on the plus strand (G>A on the coding strand, the complement: LRP4 is on the minus strand). VCF-style: chr11-46896332-C-T. GRCh37 (hg19) VCF-style: chr11-46917883-C-T.
Other names: short protein forms S309N.
Identifiers: ClinVar variation 2096367 (VCV002096367.4), dbSNP rs2539770626, ClinGen allele CA380287775.
Genomic context (GRCh38, chr11:46,896,332, plus strand): 5'-TTCCTCTGCCCAATGCAGCGCCCATTCCAACACAGGAACTGGTCCAAGGCACATTGGGGG[C>T]TTCCTAGAGAGATGGAGGGTCAGGTCATAGCAAGGCAGGGCTTGGGCCAACAAAGAGATG-3'
Protein context (NP_002325.2, residues 299-319): SDEENCENTG[Ser309Asn]PQCALDQFLC

ClinVar aggregate classification (germline): Uncertain significance (1 of 4 stars; one submission).

Conditions:
Cenani-Lenz syndactyly syndrome. Also called: SYNDACTYLY, TYPE VII; CENANI SYNDACTYLISM. Identifiers: Orphanet 3258, MedGen C1859309, MONDO:0008931, OMIM 212780.
Congenital myasthenic syndrome 17. Identifiers: Orphanet 590, MedGen C4225377, MONDO:0014578, OMIM 616304.
Sclerosteosis 2 (SOST2). Identifiers: Orphanet 3152, MedGen C3280402, MONDO:0013679, OMIM 614305.

Submission:

Labcorp Genetics (formerly Invitae), Labcorp
Classification: Uncertain significance for Cenani-Lenz syndactyly syndrome; Sclerosteosis 2; Congenital myasthenic syndrome 17. Last evaluated: 2022-02-11. Review status: criteria provided, single submitter. Criteria: Invitae Variant Classification Sherloc (09022015). Collection method: clinical testing. Allele origin: germline.
Comment: Algorithms developed to predict the effect of missense changes on protein structure and function are either unavailable or do not agree on the potential impact of this missense change (SIFT: "Deleterious"; PolyPhen-2: "Benign"; Align-GVGD: "Class C0"). This variant has not been reported in the literature in individuals affected with LRP4-related conditions. This variant is not present in population databases (gnomAD no frequency). This sequence change replaces serine, which is neutral and polar, with asparagine, which is neutral and polar, at codon 309 of the LRP4 protein (p.Ser309Asn). In summary, the available evidence is currently insufficient to determine the role of this variant in disease. Therefore, it has been classified as a Variant of Uncertain Significance.